The following is an entry in ClinVar:

NM_001374828.1(ARID1B):c.4968_4969del (p.Arg1657fs)

Gene: ARID1B (AT-rich interaction domain 1B; plus strand). Cytogenetic location: 6q25.3.
Variant type: Microsatellite.
Coding change: c.4968_4969del on transcript NM_001374828.1 (MANE Select); coding-DNA positions 4968 to 4969, 2 bases deleted (AC; older notation c.4968_4969delAC).
Protein change: p.Arg1657fs; shifts the reading frame from arginine 1657.
Molecular consequence: frameshift variant.
Genome position (GRCh38, 1-based): chr6:157,201,193-157,201,194, AC deleted; deleting any 2 consecutive bases within chr6:157,201,190-157,201,194 gives the same sequence; the c. name uses the placement nearest the transcript's 3' end. VCF-style (leftmost placement, unchanged base first): chr6-157201189-TCA-T. GRCh37 (hg19) VCF-style: chr6-157522323-TCA-T.
Other names: c.4717_4718AC[1], p.Arg1574Profs (NM_001346813.1); c.2469_2470del, p.Arg824fs (NM_001363725.2); c.4848_4849del, p.Arg1617fs (NM_001371656.1, NM_001374820.1); c.4809_4810del, p.Arg1604fs (NM_017519.3); c.4597_4598AC[1], p.Arg1534Profs (NM_020732.3); c.4384_4385AC[1], p.Arg1463Profs (NM_175863.2); short protein forms R1604fs, R1617fs, R1657fs, R824fs.
Identifiers: ClinVar variation 1710355 (VCV001710355.3), dbSNP rs2538683847, ClinGen allele CA2580615816.

ClinVar aggregate classification (germline): Pathogenic (1 of 4 stars; one submission).

Conditions:
Coffin-Siris syndrome 1 (CSS1). Also called: Mental retardation, autosomal dominant 12; ARID1B-Related Coffin-Siris Syndrome. Identifiers: Orphanet 1465, MedGen C3281201, MONDO:0007617, OMIM 135900. Disease mechanism: gain of function.

Submission:

Greenwood Genetic Center Diagnostic Laboratories, Greenwood Genetic Center
Classification: Pathogenic for Coffin-Siris syndrome 1. Last evaluated: 2022-08-17. Review status: criteria provided, single submitter. Criteria: ACMG Guidelines, 2015. Collection method: clinical testing. Allele origin: germline. Affected: yes.
Comment: PVS1, PM2, PM6